The following is an entry in ClinVar:

NM_000117.3(EMD):c.-24C>T

Gene: EMD (emerin; plus strand). Cytogenetic location: Xq28.
Variant type: single nucleotide variant.
Coding change: c.-24C>T on transcript NM_000117.3 (MANE Select); 24 bases upstream of the start codon, C replaced by T.
Molecular consequence: 5 prime UTR variant.
Genome position (GRCh38, 1-based): chrX:154,379,461, C>T. VCF-style: chrX-154379461-C-T. GRCh37 (hg19) VCF-style: chrX-153607821-C-T.
Identifiers: ClinVar variation 382185 (VCV000382185.1), dbSNP rs958112509, ClinGen allele CA16608346.

ClinVar aggregate classification (germline): Likely benign (1 of 4 stars; one submission).

Allele frequency attached by ClinVar (database versions not stated): gnomAD exomes 0.00001 and 0.00003; gnomAD 0.00002; TOPMed 0.00005; 1000 Genomes Project 30x 0.00042.
gnomAD v4.1: 11 of 1,162,784 alleles (0.00095%); highest among the groups gnomAD compares: Admixed American, 0.026%; no homozygotes.

Submission:

GeneDx
Classification: Likely benign. Last evaluated: 2017-03-13. Review status: criteria provided, single submitter. Criteria: GeneDx Variant Classification (06012015). Collection method: clinical testing. Allele origin: germline. Affected: yes.
Comment: This variant is considered likely benign or benign based on one or more of the following criteria: it is a conservative change, it occurs at a poorly conserved position in the protein, it is predicted to be benign by multiple in silico algorithms, and/or has population frequency not consistent with disease.